The following is an entry in ClinVar:

ClinVar aggregate classification (germline): Uncertain significance. Review status: criteria provided, multiple submitters, no conflicts (2 of 4 stars). 2 submissions from 2 submitters: Uncertain significance (2). Last evaluated 2025-08-16.

Conditions:
Inborn genetic diseases. Identifiers: MedGen C0950123, MeSH D030342.

Submissions (2):

Labcorp Genetics (formerly Invitae), Labcorp
Classification: Uncertain significance. Last evaluated: 2025-08-16. Review status: criteria provided, single submitter. Criteria: Invitae Variant Classification Sherloc (09022015). Collection method: clinical testing. Allele origin: germline.
Comment: This sequence change replaces valine, which is neutral and non-polar, with alanine, which is neutral and non-polar, at codon 1636 of the BRWD3 protein (p.Val1636Ala). This variant is not present in population databases (gnomAD no frequency). This variant has not been reported in the literature in individuals affected with BRWD3-related conditions. ClinVar contains an entry for this variant (Variation ID: 3635008). Invitae Evidence Modeling of protein sequence and biophysical properties (such as structural, functional, and spatial information, amino acid conservation, physicochemical variation, residue mobility, and thermodynamic stability) indicates that this missense variant is not expected to disrupt BRWD3 protein function with a negative predictive value of 95%. In summary, the available evidence is currently insufficient to determine the role of this variant in disease. Therefore, it has been classified as a Variant of Uncertain Significance.

Ambry Genetics
Classification: Uncertain significance for Inborn genetic diseases. Last evaluated: 2025-03-22. Review status: criteria provided, single submitter. Criteria: Ambry Variant Classification Scheme 2023. Collection method: clinical testing. Allele origin: germline.

NM_153252.5(BRWD3):c.4907T>C (p.Val1636Ala)

Gene: BRWD3 (bromodomain and WD repeat domain containing 3; minus strand). Cytogenetic location: Xq21.1.
Variant type: single nucleotide variant.
Coding change: c.4907T>C on transcript NM_153252.5 (MANE Select); coding-DNA position 4907, T replaced by C.
Protein change: p.Val1636Ala; replaces valine 1636 with alanine.
Molecular consequence: missense variant.
Genome position (GRCh38, 1-based): chrX:80,677,111, A>G on the plus strand (T>C on the coding strand, the complement: BRWD3 is on the minus strand). VCF-style: chrX-80677111-A-G. GRCh37 (hg19) VCF-style: chrX-79932610-A-G.
Other names: c.4907T>C (NM_153252.4); short protein forms V1636A.
Identifiers: ClinVar variation 3635008 (VCV003635008.3).